The following is an entry in ClinVar:

NM_003412.4(ZIC1):c.713C>T (p.Pro238Leu)

Gene: ZIC1 (Zic family zinc finger 1; plus strand). Cytogenetic location: 3q24.
Variant type: single nucleotide variant.
Coding change: c.713C>T on transcript NM_003412.4 (MANE Select); coding-DNA position 713, C replaced by T.
Protein change: p.Pro238Leu; replaces proline 238 with leucine.
Molecular consequence: missense variant.
Genome position (GRCh38, 1-based): chr3:147,410,825, C>T. VCF-style: chr3-147410825-C-T. GRCh37 (hg19) VCF-style: chr3-147128612-C-T.
Other names: short protein forms P238L.
Identifiers: ClinVar variation 1978509 (VCV001978509.4), dbSNP rs2473123634, ClinGen allele CA354897303.

ClinVar aggregate classification (germline): Uncertain significance (1 of 4 stars; one submission).

Submission:

Labcorp Genetics (formerly Invitae), Labcorp
Classification: Uncertain significance. Last evaluated: 2022-08-29. Review status: criteria provided, single submitter. Criteria: Invitae Variant Classification Sherloc (09022015). Collection method: clinical testing. Allele origin: germline.
Comment: In summary, the available evidence is currently insufficient to determine the role of this variant in disease. Therefore, it has been classified as a Variant of Uncertain Significance. Algorithms developed to predict the effect of missense changes on protein structure and function (SIFT, PolyPhen-2, Align-GVGD) all suggest that this variant is likely to be disruptive. This variant has not been reported in the literature in individuals affected with ZIC1-related conditions. This variant is not present in population databases (gnomAD no frequency). This sequence change replaces proline, which is neutral and non-polar, with leucine, which is neutral and non-polar, at codon 238 of the ZIC1 protein (p.Pro238Leu).